The following is an entry in ClinVar:

ClinVar aggregate classification (germline): Uncertain significance (1 of 4 stars; one submission).

Conditions:
Charcot-Marie-Tooth disease type 2R. Also called: CHARCOT-MARIE-TOOTH NEUROPATHY, TYPE 2R; CHARCOT-MARIE-TOOTH DISEASE, AXONAL, AUTOSOMAL RECESSIVE, TYPE 2R; Charcot-Marie-Tooth disease, axonal, type 2R. Identifiers: Orphanet 397968, MedGen C3809655, MONDO:0014208, OMIM 615490.

Allele frequency attached by ClinVar (database versions not stated): gnomAD exomes 0.00001; ExAC 0.00002.
gnomAD v4.1: 11 of 1,614,064 alleles (0.00068%); highest among the groups gnomAD compares: South Asian, 0.0066%; no homozygotes.

Submission:

Labcorp Genetics (formerly Invitae), Labcorp
Classification: Uncertain significance for Charcot-Marie-Tooth disease type 2R. Last evaluated: 2020-06-18. Review status: criteria provided, single submitter. Criteria: Invitae Variant Classification Sherloc (09022015). Collection method: clinical testing. Allele origin: germline.
Comment: This variant has not been reported in the literature in individuals with TRIM2-related conditions. This sequence change replaces proline with leucine at codon 530 of the TRIM2 protein (p.Pro530Leu). The proline residue is highly conserved and there is a moderate physicochemical difference between proline and leucine. This variant is present in population databases (rs778099061, ExAC 0.02%). Algorithms developed to predict the effect of missense changes on protein structure and function are either unavailable or do not agree on the potential impact of this missense change (SIFT: "Deleterious"; PolyPhen-2: "Possibly Damaging"; Align-GVGD: "Class C0"). In summary, the available evidence is currently insufficient to determine the role of this variant in disease. Therefore, it has been classified as a Variant of Uncertain Significance.

NM_015271.5(TRIM2):c.1670C>T (p.Pro557Leu)

Gene: TRIM2 (tripartite motif containing 2; plus strand). Cytogenetic location: 4q31.3.
Variant type: single nucleotide variant.
Coding change: c.1670C>T on transcript NM_015271.5 (MANE Select); coding-DNA position 1670, C replaced by T.
Protein change: p.Pro557Leu; replaces proline 557 with leucine.
Molecular consequence: missense variant.
Genome position (GRCh38, 1-based): chr4:153,315,887, C>T. VCF-style: chr4-153315887-C-T. GRCh37 (hg19) VCF-style: chr4-154237039-C-T.
Other names: c.1589C>T, p.Pro530Leu (NM_001130067.2, NM_001351056.2, NM_001375512.1 and 5 more transcripts); c.1643C>T, p.Pro548Leu (NM_001351054.2); c.1640C>T, p.Pro547Leu (NM_001351055.2); c.1214C>T, p.Pro405Leu (NM_001351057.2); c.1763C>T, p.Pro588Leu (NM_001375488.1); c.1760C>T, p.Pro587Leu (NM_001375489.1); c.1613C>T, p.Pro538Leu (NM_001375490.1); c.1610C>T, p.Pro537Leu (NM_001375491.1); and 3 more; short protein forms P588L, P405L, P538L, P444L, P530L, P548L, P587L, P445L.
Identifiers: ClinVar variation 946843 (VCV000946843.9), dbSNP rs778099061, ClinGen allele CA3108805.